The following is an entry in ClinVar:

NM_003482.4(KMT2D):c.11765AGCAAC[1] (p.Gln3924_Gln3925del)

Gene: KMT2D (lysine methyltransferase 2D; minus strand). Cytogenetic location: 12q13.12.
Variant type: Microsatellite.
Coding change: c.11765AGCAAC[1] on transcript NM_003482.4 (MANE Select); one copy of the 6-base unit AGCAAC starting at c.11765; the reference has two copies in a row; one copy, 6 bases deleted.
Protein change: p.Gln3924_Gln3925del.
Genome position (GRCh38, 1-based): chr12:49,032,929-49,032,934, GTTGCT deleted on the plus strand (AGCAAC on the coding strand, the reverse complement: KMT2D is on the minus strand); deleting any 6 consecutive bases within chr12:49,032,929-49,032,944 gives the same sequence; the position shown is the placement nearest the transcript's 3' end. VCF-style (leftmost placement, unchanged base first): chr12-49032928-AGTTGCT-A. GRCh37 (hg19) VCF-style: chr12-49426711-AGTTGCT-A.
Identifiers: ClinVar variation 3684396 (VCV003684396.2).

ClinVar aggregate classification (germline): Uncertain significance (1 of 4 stars; one submission).

Conditions:
Kabuki syndrome. Also called: NIIKAWA-KUROKI SYNDROME; Kabuki make-up syndrome. Identifiers: Orphanet 2322, MedGen C0796004, MONDO:0016512.

Submission:

Labcorp Genetics (formerly Invitae), Labcorp
Classification: Uncertain significance for Kabuki syndrome. Last evaluated: 2025-02-25. Review status: criteria provided, single submitter. Criteria: Invitae Variant Classification Sherloc (09022015). Collection method: clinical testing. Allele origin: germline.
Comment: This variant, c.11771_11776del, results in the deletion of 2 amino acid(s) of the KMT2D protein (p.Gln3924_Gln3925del), but otherwise preserves the integrity of the reading frame. This variant is not present in population databases (gnomAD no frequency). This variant has not been reported in the literature in individuals affected with KMT2D-related conditions. Experimental studies and prediction algorithms are not available or were not evaluated, and the functional significance of this variant is currently unknown. In summary, the available evidence is currently insufficient to determine the role of this variant in disease. Therefore, it has been classified as a Variant of Uncertain Significance.